The following is an entry in ClinVar:

ClinVar aggregate classification (germline): Likely benign (1 of 4 stars; one submission).

Submission:

CeGaT Center for Human Genetics Tuebingen
Classification: Likely benign. Last evaluated: 2023-11-01. Review status: criteria provided, single submitter. Criteria: CeGaT Center For Human Genetics Tuebingen Variant Classification Criteria Version 2. Collection method: clinical testing. Allele origin: germline. Affected: yes. Observed: 1 variant allele.
Comment: COL6A3: PM2:Supporting, BP4, BP7

NM_004369.4(COL6A3):c.7338T>C (p.Ala2446=)

Gene: COL6A3 (collagen type VI alpha 3 chain; minus strand). Cytogenetic location: 2q37.3.
Variant type: single nucleotide variant.
Coding change: c.7338T>C on transcript NM_004369.4 (MANE Select); coding-DNA position 7338, T replaced by C.
Protein change: p.Ala2446=; no amino-acid change (alanine 2446 retained).
Molecular consequence: synonymous variant.
Genome position (GRCh38, 1-based): chr2:237,344,680, A>G on the plus strand (T>C on the coding strand, the complement: COL6A3 is on the minus strand). VCF-style: chr2-237344680-A-G. GRCh37 (hg19) VCF-style: chr2-238253323-A-G.
Other names: c.5517T>C, p.Ala1839= (NM_057166.5); c.6720T>C, p.Ala2240= (NM_057167.4).
Identifiers: ClinVar variation 2672869 (VCV002672869.21), dbSNP rs2469817612, ClinGen allele CA431710160.